The following is an entry in ClinVar:

ClinVar aggregate classification (germline): Uncertain significance (1 of 4 stars; one submission).

Conditions:
Aicardi-Goutieres syndrome 6 (AGS6). Identifiers: Orphanet 51, MedGen C3539013, MONDO:0014007, OMIM 615010.
Symmetrical dyschromatosis of extremities (DSH). Also called: Dyschromatosis symmetrica hereditaria; DYSCHROMATOSIS SYMMETRICA HEREDITARIA 1; RETICULATE ACROPIGMENTATION OF DOHI; SYMMETRIC DYSCHROMATOSIS OF THE EXTREMITIES. Identifiers: Orphanet 41, MedGen C0406775, MONDO:0007483, OMIM 127400.

Allele frequency attached by ClinVar (database versions not stated): gnomAD exomes below 0.00001; ExAC 0.00001; gnomAD 0.00001; TOPMed 0.00001.
gnomAD v4.1: 7 of 1,613,748 alleles (0.00043%); highest among the groups gnomAD compares: South Asian, 0.0033%; no homozygotes.

Submission:

Labcorp Genetics (formerly Invitae), Labcorp
Classification: Uncertain significance for Aicardi-Goutieres syndrome 6; Symmetrical dyschromatosis of extremities. Last evaluated: 2024-01-01. Review status: criteria provided, single submitter. Criteria: Invitae Variant Classification Sherloc (09022015). Collection method: clinical testing. Allele origin: germline.
Comment: This sequence change replaces arginine, which is basic and polar, with glutamine, which is neutral and polar, at codon 1096 of the ADAR protein (p.Arg1096Gln). This variant is present in population databases (rs747462052, gnomAD 0.0009%). This variant has not been reported in the literature in individuals affected with ADAR-related conditions. ClinVar contains an entry for this variant (Variation ID: 1368823). Advanced modeling of protein sequence and biophysical properties (such as structural, functional, and spatial information, amino acid conservation, physicochemical variation, residue mobility, and thermodynamic stability) performed at Invitae indicates that this missense variant is not expected to disrupt ADAR protein function with a negative predictive value of 80%. In summary, the available evidence is currently insufficient to determine the role of this variant in disease. Therefore, it has been classified as a Variant of Uncertain Significance.

NM_001111.5(ADAR):c.3287G>A (p.Arg1096Gln)

Gene: ADAR (adenosine deaminase RNA specific; minus strand). Cytogenetic location: 1q21.3.
Variant type: single nucleotide variant.
Coding change: c.3287G>A on transcript NM_001111.5 (MANE Select); coding-DNA position 3287, G replaced by A.
Protein change: p.Arg1096Gln; replaces arginine 1096 with glutamine.
Molecular consequence: missense variant.
Genome position (GRCh38, 1-based): chr1:154,585,781, C>T on the plus strand (G>A on the coding strand, the complement: ADAR is on the minus strand). VCF-style: chr1-154585781-C-T. GRCh37 (hg19) VCF-style: chr1-154558257-C-T.
Other names: c.2402G>A, p.Arg801Gln (NM_001025107.3, NM_001193495.2, NM_001365046.1 and 2 more transcripts); c.3314G>A, p.Arg1105Gln (NM_001365045.1); c.2324G>A, p.Arg775Gln (NM_001365049.1); c.3209G>A, p.Arg1070Gln (NM_015840.4); c.3152G>A, p.Arg1051Gln (NM_015841.4); short protein forms R1070Q, R801Q, R1105Q, R775Q, R1051Q, R1096Q.
Identifiers: ClinVar variation 1368823 (VCV001368823.8), dbSNP rs747462052, ClinGen allele CA1131001.